The following is an entry in ClinVar:

ClinVar aggregate classification (germline): Uncertain significance (1 of 4 stars; one submission).

Conditions:
Eichsfeld type congenital muscular dystrophy (CMYO3). Also called: MYOPATHY, SEPN1-RELATED; Rigid spine muscular dystrophy 1; SELENON-related myopathy; Congenital myopathy 3 with rigid spine. Identifiers: MedGen C0410180, MONDO:0100100, OMIM 602771.

Allele frequency attached by ClinVar (database versions not stated): gnomAD exomes below 0.00001 and 0.00001; TOPMed below 0.00001; gnomAD 0.00001.

Submission:

Labcorp Genetics (formerly Invitae), Labcorp
Classification: Uncertain significance for Eichsfeld type congenital muscular dystrophy. Last evaluated: 2019-10-23. Review status: criteria provided, single submitter. Criteria: Invitae Variant Classification Sherloc (09022015). Collection method: clinical testing. Allele origin: germline.
Comment: In summary, the available evidence is currently insufficient to determine the role of this variant in disease. Therefore, it has been classified as a Variant of Uncertain Significance. Algorithms developed to predict the effect of missense changes on protein structure and function (SIFT, PolyPhen-2, Align-GVGD) all suggest that this variant is likely to be tolerated, but these predictions have not been confirmed by published functional studies and their clinical significance is uncertain. This variant has not been reported in the literature in individuals with SELENON-related conditions. This variant is not present in population databases (ExAC no frequency). This sequence change replaces alanine with threonine at codon 415 of the SELENON protein (p.Ala415Thr). The alanine residue is highly conserved and there is a small physicochemical difference between alanine and threonine.

NM_206926.2(SELENON):c.1141G>A (p.Ala381Thr)

Gene: SELENON (selenoprotein N; plus strand). Cytogenetic location: 1p36.11.
Variant type: single nucleotide variant.
Coding change: c.1141G>A on transcript NM_206926.2 (MANE Select); coding-DNA position 1141, G replaced by A.
Protein change: p.Ala381Thr; replaces alanine 381 with threonine.
Molecular consequence: missense variant.
Genome position (GRCh38, 1-based): chr1:25,811,841, G>A. VCF-style: chr1-25811841-G-A. GRCh37 (hg19) VCF-style: chr1-26138332-G-A.
Other names: c.1243G>A, p.Ala415Thr (NM_020451.3); short protein forms A381T, A415T.
Identifiers: ClinVar variation 934046 (VCV000934046.8), dbSNP rs953899916, ClinGen allele CA19698810.